The following is an entry in ClinVar:

ClinVar aggregate classification (germline): Likely benign (1 of 4 stars; one submission).

Submission:

CeGaT Center for Human Genetics Tuebingen
Classification: Likely benign. Last evaluated: 2023-08-01. Review status: criteria provided, single submitter. Criteria: CeGaT Center For Human Genetics Tuebingen Variant Classification Criteria Version 2. Collection method: clinical testing. Allele origin: germline. Affected: yes. Observed: 1 variant allele.
Comment: ZNF804B: PM2:Supporting, BP4, BP7

NM_181646.5(ZNF804B):c.2211T>A (p.Gly737=)

Gene: ZNF804B (zinc finger protein 804B; plus strand). Cytogenetic location: 7q21.13.
Variant type: single nucleotide variant.
Coding change: c.2211T>A on transcript NM_181646.5 (MANE Select); coding-DNA position 2211, T replaced by A.
Protein change: p.Gly737=; no amino-acid change (glycine 737 retained).
Molecular consequence: synonymous variant.
Genome position (GRCh38, 1-based): chr7:89,335,193, T>A. VCF-style: chr7-89335193-T-A. GRCh37 (hg19) VCF-style: chr7-88964507-T-A.
Identifiers: ClinVar variation 2657664 (VCV002657664.24), dbSNP rs1470703459, ClinGen allele CA456611520.